The following is an entry in ClinVar:

NC_000022.10:g.(?_29130385)_(29130715_?)dup

Gene: CHEK2 (checkpoint kinase 2; minus strand). Cytogenetic location: 22q12.1.
Variant type: Duplication.
Identifiers: ClinVar variation 460684 (VCV000460684.2).

ClinVar aggregate classification (germline): Uncertain significance (1 of 4 stars; one submission).

Conditions:
Familial cancer of breast. Also called: BREAST CANCER, FAMILIAL; hereditary breast carcinoma; Hereditary breast cancer. Identifiers: Orphanet 227535, MedGen C0346153, MONDO:0016419, OMIM 114480. Disease mechanism: loss of function.

Submission:

Labcorp Genetics (formerly Invitae), Labcorp
Classification: Uncertain significance for Familial cancer of breast. Last evaluated: 2017-03-30. Review status: criteria provided, single submitter. Criteria: Invitae Variant Classification Sherloc (09022015). Collection method: clinical testing. Allele origin: germline.
Comment: This variant is a gross duplication of the genomic region encompassing exon 2 of the CHEK2 gene. The 5' end of this event is unknown as it extends beyond the assayed region for this gene and therefore may encompass additional genes. The 3' boundary is likely confined to intron 2 of the CHEK2 gene. This variant has not been reported in the literature in individuals with a CHEK2-related disease. Experimental studies and prediction algorithms are not available for this variant, and the functional significance of this duplication is currently unknown. In summary, the exact genomic location of this variant is unknown and the impact of this duplication on CHEK2 protein function has not been established. Therefore, it has been classified as a Variant of Uncertain Significance.